The following is an entry in ClinVar:

NM_022124.6(CDH23):c.6795C>T (p.Ser2265=)

Gene: CDH23 (cadherin related 23; plus strand). Cytogenetic location: 10q22.1.
Variant type: single nucleotide variant.
Coding change: c.6795C>T on transcript NM_022124.6 (MANE Select); coding-DNA position 6795, C replaced by T.
Protein change: p.Ser2265=; no amino-acid change (serine 2265 retained).
Molecular consequence: synonymous variant.
Genome position (GRCh38, 1-based): chr10:71,797,186, C>T. VCF-style: chr10-71797186-C-T. GRCh37 (hg19) VCF-style: chr10-73556943-C-T.
Other names: c.75C>T, p.Ser25= (NM_001171933.1, NM_001171934.1).
Identifiers: ClinVar variation 227236 (VCV000227236.13), dbSNP rs751113848, ClinGen allele CA5546186.
Genomic context (GRCh38, chr10:71,797,186, plus strand): 5'-CATGAATCGGGAGCTGGTTGCCACCTATGAGGTCACTCTCTCAGTGATTGACAATGCCAG[C>T]GACCTACCAGAGCGCTCTGTCAGTGTGCCAAATGGTAAGGTTCCCTGCAGACATCTCTCA-3'
Protein context (NP_071407.4, residues 2255-2275): EVTLSVIDNA[Ser2265=]DLPERSVSVP

ClinVar aggregate classification (germline): Likely benign. Review status: criteria provided, multiple submitters, no conflicts (2 of 4 stars). 3 submissions from 3 submitters: Likely benign (3). Last evaluated 2026-01-12.

Conditions:
CDH23-related disorder. Also called: CDH23-related condition; CDH23-related disorders.

Allele frequency attached by ClinVar (database versions not stated): gnomAD 0.00001; ExAC 0.00002; TOPMed 0.00002.
gnomAD v4.1: 20 of 1,613,100 alleles (0.0012%); highest among the groups gnomAD compares: African/African-American, 0.004%; no homozygotes.

Submissions (3):

Labcorp Genetics (formerly Invitae), Labcorp
Classification: Likely benign. Last evaluated: 2026-01-12. Review status: criteria provided, single submitter. Criteria: Invitae Variant Classification Sherloc (09022015). Collection method: clinical testing. Allele origin: germline.

PreventionGenetics, part of Exact Sciences
Classification: Likely benign for CDH23-related condition. Last evaluated: 2025-04-09. Review status: criteria provided, single submitter. Criteria: ACMG Guidelines, 2015. Collection method: clinical testing. Allele origin: germline.
Comment: This variant is classified as likely benign based on ACMG/AMP sequence variant interpretation guidelines (Richards et al. 2015 PMID: 25741868, with internal and published modifications).

Laboratory for Molecular Medicine, Mass General Brigham Personalized Medicine
Classification: Likely benign. Last evaluated: 2015-04-20. Review status: criteria provided, single submitter. Criteria: LMM Criteria. Collection method: clinical testing. Allele origin: germline. Observed: 1 variant allele.
Comment: p.Ser2265Ser in exon 49 of CDH23: This variant is not expected to have clinical significance because it does not alter an amino acid residue and is not located within the splice consensus sequence. It has been identified in 1/10078 Latino c hromosomes by the Exome Aggregation Consortium (ExAC .org).